The following is an entry in ClinVar:

ClinVar aggregate classification (germline): Likely benign (1 of 4 stars; one submission).

Allele frequency attached by ClinVar (database versions not stated): gnomAD 0.00008; TOPMed 0.00009; gnomAD exomes 0.00013; ExAC 0.00015; ESP Exome Variant Server 0.00015.
gnomAD v4.1: 208 of 1,611,122 alleles (0.013%); highest among the groups gnomAD compares: Middle Eastern, 0.082%; no homozygotes.

Submission:

CeGaT Center for Human Genetics Tuebingen
Classification: Likely benign. Last evaluated: 2023-05-01. Review status: criteria provided, single submitter. Criteria: CeGaT Center For Human Genetics Tuebingen Variant Classification Criteria Version 2. Collection method: clinical testing. Allele origin: germline. Affected: yes. Observed: 1 variant allele.
Comment: BCHE: BP4, BP7

NM_000055.4(BCHE):c.1794T>C (p.Ser598=)

Gene: BCHE (butyrylcholinesterase; minus strand). Cytogenetic location: 3q26.1.
Variant type: single nucleotide variant.
Coding change: c.1794T>C on transcript NM_000055.4 (MANE Select); coding-DNA position 1794, T replaced by C.
Protein change: p.Ser598=; no amino-acid change (serine 598 retained).
Molecular consequence: synonymous variant. On other transcripts: non-coding transcript variant (2).
Genome position (GRCh38, 1-based): chr3:165,773,397, A>G on the plus strand (T>C on the coding strand, the complement: BCHE is on the minus strand). VCF-style: chr3-165773397-A-G. GRCh37 (hg19) VCF-style: chr3-165491185-A-G.
Identifiers: ClinVar variation 2571193 (VCV002571193.27), dbSNP rs148569288, ClinGen allele CA2692187.